The following is an entry in ClinVar:

NM_000545.8(HNF1A):c.965A>G (p.Tyr322Cys)

Gene: HNF1A (HNF1 homeobox A; plus strand). Cytogenetic location: 12q24.31.
Variant type: single nucleotide variant.
Coding change: c.965A>G on transcript NM_000545.8 (MANE Select); coding-DNA position 965, A replaced by G.
Protein change: p.Tyr322Cys; replaces tyrosine 322 with cysteine.
Molecular consequence: missense variant.
Genome position (GRCh38, 1-based): chr12:120,996,271, A>G. VCF-style: chr12-120996271-A-G. GRCh37 (hg19) VCF-style: chr12-121434074-A-G.
Other names: c.965A>G, p.Tyr322Cys (NM_001306179.2); short protein forms Y322C.
Identifiers: ClinVar variation 36835 (VCV000036835.16), dbSNP rs140491072, ClinGen allele CA214689.

ClinVar aggregate classification (germline): Conflicting classifications of pathogenicity. Review status: criteria provided, conflicting classifications (1 of 4 stars). 8 submissions from 8 submitters: Uncertain significance (1); Benign (2); Likely benign (3). 2 of the submissions do not count toward it. Last evaluated 2025-11-24.

Conditions:
HNF1A-related disorder. Also called: HNF1A-related condition.
Monogenic diabetes. Identifiers: Orphanet 183625, MedGen C3888631, MONDO:0015967.
Maturity-onset diabetes of the young type 3. Also called: MODY type 3; MODY, type III. Identifiers: Orphanet 552, MedGen C1838100, MeSH C563933, MONDO:0010894, OMIM 600496. Disease mechanism: loss of function.

Allele frequency attached by ClinVar (database versions not stated): gnomAD exomes 0.00004 and 0.00011; ExAC 0.00013; 1000 Genomes Project 0.00020; 1000 Genomes Project 30x 0.00031; gnomAD 0.00039 and 0.00041; TOPMed 0.00039; ESP Exome Variant Server 0.00062.

Submissions (8):

Labcorp Genetics (formerly Invitae), Labcorp
Classification: Likely benign. Last evaluated: 2025-11-24. Review status: criteria provided, single submitter. Criteria: Invitae Variant Classification Sherloc (09022015). Collection method: clinical testing. Allele origin: germline.

Athena Diagnostics
Classification: Benign. Last evaluated: 2024-07-02. Review status: criteria provided, single submitter. Criteria: Athena Diagnostics Criteria. Collection method: clinical testing. Allele origin: unknown.

Mendelics
Classification: Benign for Maturity-onset diabetes of the young type 3. Last evaluated: 2023-08-22. Review status: criteria provided, single submitter. Criteria: Mendelics Assertion Criteria 2019. Collection method: clinical testing. Allele origin: germline.

Women's Health and Genetics/Laboratory Corporation of America, LabCorp
Classification: Likely benign. Last evaluated: 2022-02-08. Review status: criteria provided, single submitter. Criteria: LabCorp Variant Classification Summary - May 2015. Collection method: clinical testing. Allele origin: germline.
Comment: Variant summary: HNF1A c.965A>G (p.Tyr322Cys) results in a non-conservative amino acid change located in the Hepatocyte nuclear factor 1, beta isoform, C-terminal domain (IPR006897) of the encoded protein sequence. Five of five in-silico tools predict a damaging effect of the variant on protein function. The variant allele was found at a frequency of 0.00011 in 251994 control chromosomes, predominantly at a frequency of 0.0017 within the African or African-American subpopulation in the gnomAD database. The observed variant frequency within African or African-American control individuals in the gnomAD database is approximately 68-fold of the estimated maximal expected allele frequency for a pathogenic variant in HNF1A causing Maturity Onset Diabetes Of The Young 3 phenotype (2.5e-05), strongly suggesting that the variant is a benign polymorphism found primarily in populations of African or African-American origin. c.965A>G has been reported in the literature in individuals affected with Maturity Onset Diabetes Of The Young 3 (examples: Bellanne-Chantelot_2008, Flannick_2013, Pihoker_2013, Althari_2020) but it was also reported in multiple controls/unaffected individuals (Flannick_2013, Althari_2020). These reports do not provide unequivocal conclusions about association of the variant with Maturity Onset Diabetes Of The Young 3. At least one publication reports experimental evidence evaluating an impact on protein function. The most pronounced variant effect results in 30%-50% of normal transcriptional activity (Najmi_2017). Recently, the authors of this functional study re-classified the variant as likely benign utilizing multidimensional functional data and variant occurrences in patients and controls (Althari_2020). A ClinVar submitter (evaluation after 2014) cites the variant as likely benign, while two other ClinVar submitters (evaluation after 2014) cite it as uncertain significance. Based on the evidence outlined above, the variant was classified as likely benign.

Laboratory for Molecular Medicine, Mass General Brigham Personalized Medicine
Classification: Likely benign. Last evaluated: 2020-11-06. Review status: criteria provided, single submitter. Criteria: ACMG Guidelines, 2015. Collection method: clinical testing. Allele origin: germline.
Comment: The p.Tyr322Cys variant in HNF1A is classified as likely benign because it has been identified in 0.2% (40/24952) of African chromosomes by gnomAD. ACMG/AMP Criteria applied: BS1.

Personalized Diabetes Medicine Program, University of Maryland School of Medicine
Classification: Uncertain significance for Monogenic diabetes. Last evaluated: 2018-01-26. Review status: criteria provided, single submitter. Criteria: ACMG Guidelines, 2015. Collection method: research. Allele origin: unknown. Observed: 2 variant alleles, 2 heterozygotes.
Comment: ACMG criteria: PP3, BS2(T2DM 6 cases and 4 controls); (PP5 LabCorp called Likely Pathogenic[based on two pts in Bellanne-Chantelot C. et al, Diabetes 2008]); (functional studies suggest impact[abstract by Laeya Najmi at an online resource])=VUS

PreventionGenetics, part of Exact Sciences
Classification: Uncertain significance for HNF1A-related condition. Last evaluated: 2024-09-10. Review status: no assertion criteria provided. Collection method: clinical testing. Allele origin: germline. Not counted in ClinVar's aggregate classification.
Comment: The HNF1A c.965A>G variant is predicted to result in the amino acid substitution p.Tyr322Cys. This variant has been reported in maturity onset diabetes of the young (MODY) patients and studies of diabetes in the general population (Bellanne-Chantelot et al. 2008. PubMed ID: 18003757; Najmi et al. 2017. PubMed ID: 27899486; Flannick et al. 2013. PubMed ID: 24097065). In Najmi et al. study, functional evaluation showed that this substitution affected transcriptional activity to a certain extent, but not as significantly as well-established pathogenic missense HNF1A variants. Importantly, the minor allele frequency of this variant reaches ~0.16% in the African population, which is probably too high for this variant to be a primary cause of dominant monogenic diabetes Although we suspect that this variant may be benign, at this time, the clinical significance of this variant is uncertain due to the absence of conclusive functional and genetic evidence.

ITMI
No classification provided. Condition: AllHighlyPenetrant. Last evaluated: 2013-09-19. Review status: no classification provided. Collection method: reference population. Allele origin: germline. Not counted in ClinVar's aggregate classification.
Comment: Please see associated publication for description of ethnicities

Literature cited by the submitters: PubMed 32910913 (cited by Athena Diagnostics and Women's Health and Genetics/Laboratory Corporation of America, LabCorp); PubMed 24097065 (cited by Athena Diagnostics and Women's Health and Genetics/Laboratory Corporation of America, LabCorp); PubMed 23771925 (cited by Athena Diagnostics and Women's Health and Genetics/Laboratory Corporation of America, LabCorp); PubMed 27899486 (cited by Athena Diagnostics and Women's Health and Genetics/Laboratory Corporation of America, LabCorp); PubMed 24728327 (cited by Athena Diagnostics and ITMI); PubMed 27083284 (cited by Athena Diagnostics and Women's Health and Genetics/Laboratory Corporation of America, LabCorp); PubMed 18003757 (cited by Athena Diagnostics and Women's Health and Genetics/Laboratory Corporation of America, LabCorp).